The following is an entry in ClinVar:

NM_006514.4(SCN10A):c.5307C>G (p.Asp1769Glu)

Gene: SCN10A (sodium voltage-gated channel alpha subunit 10; minus strand). Cytogenetic location: 3p22.2.
Variant type: single nucleotide variant.
Coding change: c.5307C>G on transcript NM_006514.4 (MANE Select); coding-DNA position 5307, C replaced by G.
Protein change: p.Asp1769Glu; replaces aspartic acid 1769 with glutamic acid.
Molecular consequence: missense variant.
Genome position (GRCh38, 1-based): chr3:38,697,913, G>C on the plus strand (C>G on the coding strand, the complement: SCN10A is on the minus strand). VCF-style: chr3-38697913-G-C. GRCh37 (hg19) VCF-style: chr3-38739404-G-C.
Other names: c.5304C>G, p.Asp1768Glu (NM_001293306.2); c.5013C>G, p.Asp1671Glu (NM_001293307.2); short protein forms D1769E, D1671E, D1768E.
Identifiers: ClinVar variation 1367557 (VCV001367557.8), dbSNP rs774474141, ClinGen allele CA352154036.

ClinVar aggregate classification (germline): Uncertain significance (1 of 4 stars; one submission).

Conditions:
Brugada syndrome. Also called: Sudden Unexplained Death Syndrome; Sudden Unexplained Nocturnal Death Syndrome (SUNDS); Sudden unexpected nocturnal death syndrome; Sudden unexplained nocturnal death syndrome. Identifiers: Orphanet 130, MedGen C1142166, MONDO:0015263.

Allele frequency attached by ClinVar (database versions not stated): gnomAD 0.00001.
gnomAD v4.1: 2 of 1,614,020 alleles (0.00012%); highest among the groups gnomAD compares: Non-Finnish European, 0.00017%; no homozygotes.

Submission:

Labcorp Genetics (formerly Invitae), Labcorp
Classification: Uncertain significance for Brugada syndrome. Last evaluated: 2021-03-24. Review status: criteria provided, single submitter. Criteria: Invitae Variant Classification Sherloc (09022015). Collection method: clinical testing. Allele origin: germline.
Comment: In summary, the available evidence is currently insufficient to determine the role of this variant in disease. Therefore, it has been classified as a Variant of Uncertain Significance. Advanced modeling of protein sequence and biophysical properties (such as structural, functional, and spatial information, amino acid conservation, physicochemical variation, residue mobility, and thermodynamic stability) performed at Invitae indicates that this missense variant is not expected to disrupt SCN10A protein function. This variant has not been reported in the literature in individuals with SCN10A-related conditions. This variant is not present in population databases (ExAC no frequency). This sequence change replaces aspartic acid with glutamic acid at codon 1769 of the SCN10A protein (p.Asp1769Glu). The aspartic acid residue is moderately conserved and there is a small physicochemical difference between aspartic acid and glutamic acid.